The following is an entry in ClinVar:

ClinVar aggregate classification (germline): Uncertain significance (1 of 4 stars; one submission).

Submission:

Labcorp Genetics (formerly Invitae), Labcorp
Classification: Uncertain significance. Last evaluated: 2022-04-04. Review status: criteria provided, single submitter. Criteria: Invitae Variant Classification Sherloc (09022015). Collection method: clinical testing. Allele origin: germline.
Comment: This sequence change creates a premature translational stop signal (p.Val800Serfs*75) in the CTNNA1 gene. While this is not anticipated to result in nonsense mediated decay, it is expected to disrupt the last 107 amino acid(s) of the CTNNA1 protein. In summary, the available evidence is currently insufficient to determine the role of this variant in disease. Therefore, it has been classified as a Variant of Uncertain Significance. This variant has not been reported in the literature in individuals affected with CTNNA1-related conditions. This variant is not present in population databases (gnomAD no frequency).

NM_001903.5(CTNNA1):c.2394_2401del (p.Val800fs)

Gene: CTNNA1 (catenin alpha 1; plus strand). Cytogenetic location: 5q31.2.
Variant type: Deletion.
Coding change: c.2394_2401del on transcript NM_001903.5 (MANE Select); coding-DNA positions 2394 to 2401, 8 bases deleted (CGAGGTGC; older notation c.2394_2401delCGAGGTGC).
Protein change: p.Val800fs; shifts the reading frame from valine 800.
Molecular consequence: frameshift variant. On other transcripts: intron variant (1).
Genome position (GRCh38, 1-based): chr5:138,932,673-138,932,680, CGAGGTGC deleted; deleting any 8 consecutive bases within chr5:138,932,671-138,932,680 gives the same sequence; the c. name uses the placement nearest the transcript's 3' end. VCF-style (leftmost placement, unchanged base first): chr5-138932670-GGCCGAGGT-G. GRCh37 (hg19) VCF-style: chr5-138268359-GGCCGAGGT-G.
Other names: c.2394_2401del, p.Val800fs (NM_001290307.3, NM_001323982.2, NM_001323983.1 and 2 more transcripts); c.2085_2092del, p.Val697fs (NM_001290309.3); c.2025_2032del, p.Val677fs (NM_001290310.3); c.1284_1291del, p.Val430fs (NM_001290312.1, NM_001323987.1, NM_001323988.1 and 16 more transcripts); c.2301_2308del, p.Val769fs (NM_001323986.2); c.945_952del, p.Val317fs (NM_001324006.1, NM_001324007.1, NM_001324008.1 and 2 more transcripts); c.1191_1198del, p.Val399fs (NM_001324011.1); c.1041_1048del, p.Val349fs (NM_001324012.1, NM_001324013.1); and 1 more; short protein forms V317fs, V349fs, V399fs, V430fs, V677fs, V769fs, V800fs, V697fs.
Identifiers: ClinVar variation 2121230 (VCV002121230.4), dbSNP rs2533913908, ClinGen allele CA2580072870.